The following is an entry in ClinVar:

ClinVar aggregate classification (germline): Conflicting classifications of pathogenicity. Review status: criteria provided, conflicting classifications (1 of 4 stars). 3 submissions from 3 submitters: Uncertain significance (2); Benign (1). Last evaluated 2025-09-27.

Conditions:
Inborn genetic diseases. Identifiers: MedGen C0950123, MeSH D030342.
Developmental and epileptic encephalopathy, 31A. Also called: Epileptic encephalopathy, early infantile, 31; Developmental and epileptic encephalopathy, 31. Identifiers: Orphanet 2382, MedGen C4225357, MONDO:0014598, OMIM 616346.

Allele frequency attached by ClinVar (database versions not stated): ExAC 0.00001; gnomAD 0.00001; gnomAD exomes 0.00001; TOPMed 0.00001.

Submissions (3):

Labcorp Genetics (formerly Invitae), Labcorp
Classification: Benign for Developmental and epileptic encephalopathy, 31A. Last evaluated: 2025-09-27. Review status: criteria provided, single submitter. Criteria: Invitae Variant Classification Sherloc (09022015). Collection method: clinical testing. Allele origin: germline.

CeGaT Center for Human Genetics Tuebingen
Classification: Uncertain significance. Last evaluated: 2019-01-01. Review status: criteria provided, single submitter. Criteria: CeGaT Center For Human Genetics Tuebingen Variant Classification Criteria Version 2. Collection method: clinical testing. Allele origin: germline. Affected: yes. Observed: 1 variant allele.

Ambry Genetics
Classification: Uncertain significance for Inborn genetic diseases. Last evaluated: 2018-01-16. Review status: criteria provided, single submitter. Criteria: Ambry Variant Classification Scheme 2023. Collection method: clinical testing. Allele origin: germline.
Comment: The p.R854H variant (also known as c.2561G>A), located in coding exon 22 of the DNM1 gene, results from a G to A substitution at nucleotide position 2561. The arginine at codon 854 is replaced by histidine, an amino acid with highly similar properties. This amino acid position is well conserved in available vertebrate species. In addition, the in silico prediction for this alteration is inconclusive. Since supporting evidence is limited at this time, the clinical significance of this alteration remains unclear.

NM_004408.4(DNM1):c.2561G>A (p.Arg854His)

Gene: DNM1 (dynamin 1; plus strand). Cytogenetic location: 9q34.11.
Variant type: single nucleotide variant.
Coding change: c.2561G>A on transcript NM_004408.4 (MANE Select); coding-DNA position 2561, G replaced by A.
Protein change: p.Arg854His; replaces arginine 854 with histidine.
Molecular consequence: missense variant. On other transcripts: 3 prime UTR variant (4).
Genome position (GRCh38, 1-based): chr9:128,254,680, G>A. VCF-style: chr9-128254680-G-A. GRCh37 (hg19) VCF-style: chr9-131016959-G-A.
Other names: c.*42G>A (NM_001005336.3, NM_001288737.2); c.*687G>A (NM_001288738.2); c.2561G>A, p.Arg854His (NM_001288739.2); c.*602G>A (NM_001374269.1); short protein forms R854H.
Identifiers: ClinVar variation 810426 (VCV000810426.53), dbSNP rs781345149, ClinGen allele CA5258497.